The following is an entry in ClinVar:

ClinVar aggregate classification (germline): Uncertain significance (1 of 4 stars; one submission).

Conditions:
Neurodevelopmental disorder with hypotonia, language delay, and skeletal defects with or without seizures (NEDHLSS). Identifiers: MedGen C5774213, MONDO:0859286, OMIM 620029.

Submission:

Institute of Human Genetics, University of Leipzig Medical Center
Classification: Uncertain significance for Neurodevelopmental disorder with hypotonia, language delay, and skeletal defects with or without seizures. Last evaluated: 2023-07-05. Review status: criteria provided, single submitter. Criteria: ACMG Guidelines, 2015. Collection method: clinical testing. Allele origin: paternal. Inheritance: Autosomal dominant inheritance. Affected: yes.
Comment: Criteria applied: PM2_SUP,PP3

NM_000719.7(CACNA1C):c.2322G>C (p.Glu774Asp)

Gene: CACNA1C (calcium voltage-gated channel subunit alpha1 C; plus strand). Cytogenetic location: 12p13.33.
Variant type: single nucleotide variant.
Coding change: c.2322G>C on transcript NM_000719.7 (MANE Select); coding-DNA position 2322, G replaced by C.
Protein change: p.Glu774Asp; replaces glutamic acid 774 with aspartic acid.
Molecular consequence: missense variant.
Genome position (GRCh38, 1-based): chr12:2,584,600, G>C. VCF-style: chr12-2584600-G-C. GRCh37 (hg19) VCF-style: chr12-2693766-G-C.
Other names: c.2322G>C, p.Glu774Asp (NM_001129827.2, NM_001129829.2, NM_001129830.3 and 18 more transcripts); c.2313G>C, p.Glu771Asp (NM_001129844.2); short protein forms E771D, E774D.
Identifiers: ClinVar variation 2576543 (VCV002576543.3), dbSNP rs367838631, ClinGen allele CA383371554.